The following is an entry in ClinVar:

NM_000135.4(FANCA):c.831_848dup (p.Leu278_Ala283dup)

Gene: FANCA (FA complementation group A; minus strand). Cytogenetic location: 16q24.3.
Variant type: Duplication.
Coding change: c.831_848dup on transcript NM_000135.4 (MANE Select); coding-DNA positions 831 to 848, 18 bases duplicated (ACTTGACGCTTTGGCTGC).
Protein change: p.Leu278_Ala283dup.
Molecular consequence: inframe insertion.
Genome position (GRCh38, 1-based): chr16:89,799,211-89,799,228, GCAGCCAAAGCGTCAAGT duplicated on the plus strand (ACTTGACGCTTTGGCTGC on the coding strand, the reverse complement: FANCA is on the minus strand); duplicating any 18 consecutive bases within chr16:89,799,211-89,799,231 gives the same sequence; the c. name uses the placement nearest the transcript's 3' end. VCF-style (leftmost placement, unchanged base first): chr16-89799210-A-AGCAGCCAAAGCGTCAAGT. GRCh37 (hg19) VCF-style: chr16-89865618-A-AGCAGCCAAAGCGTCAAGT.
Other names: c.831_848dup, p.Leu278_Ala283dup (NM_001018112.3, NM_001286167.3); c.735_752dup, p.Leu246_Ala251dup (NM_001351830.2).
Identifiers: ClinVar variation 1433500 (VCV001433500.6), dbSNP rs761967813, ClinGen allele CA8252719.

ClinVar aggregate classification (germline): Uncertain significance. Review status: criteria provided, multiple submitters, no conflicts (2 of 4 stars). 2 submissions from 2 submitters: Uncertain significance (2). Last evaluated 2021-09-17.

Conditions:
Fanconi anemia (FA). Also called: Fanconi's anemia. Identifiers: Orphanet 84, MedGen C0015625, MeSH D005199, MONDO:0019391.

Submissions (2):

Labcorp Genetics (formerly Invitae), Labcorp
Classification: Uncertain significance for Fanconi anemia. Last evaluated: 2021-09-17. Review status: criteria provided, single submitter. Criteria: Invitae Variant Classification Sherloc (09022015). Collection method: clinical testing. Allele origin: germline.
Comment: This variant, c.831_848dup, results in the insertion of 6 amino acid(s) to the FANCA protein (p.Leu278_Ala283dup), but otherwise preserves the integrity of the reading frame. The frequency data for this variant in the population databases is considered unreliable, as metrics indicate poor data quality at this position in the ExAC database. This variant has not been reported in the literature in individuals affected with FANCA-related conditions. In summary, the available evidence is currently insufficient to determine the role of this variant in disease. Therefore, it has been classified as a Variant of Uncertain Significance.

Blueprint Genetics
Classification: Uncertain significance. Last evaluated: 2019-11-05. Review status: criteria provided, single submitter. Criteria: ACMG Guidelines, 2015. Collection method: clinical testing. Allele origin: germline.